The following is an entry in ClinVar:

ClinVar aggregate classification (germline): Uncertain significance (1 of 4 stars; one submission).

Submission:

GeneDx
Classification: Uncertain significance. Last evaluated: 2023-05-11. Review status: criteria provided, single submitter. Criteria: GeneDx Variant Classification Process June 2021. Collection method: clinical testing. Allele origin: germline. Affected: yes.
Comment: Not observed at significant frequency in large population cohorts (gnomAD); In silico analysis supports that this missense variant does not alter protein structure/function; Has not been previously published as pathogenic or benign to our knowledge

NM_020706.2(SCAF4):c.2271C>A (p.His757Gln)

Gene: SCAF4 (SR-related CTD associated factor 4; minus strand). Cytogenetic location: 21q22.11.
Variant type: single nucleotide variant.
Coding change: c.2271C>A on transcript NM_020706.2 (MANE Select); coding-DNA position 2271, C replaced by A.
Protein change: p.His757Gln; replaces histidine 757 with glutamine.
Molecular consequence: missense variant.
Genome position (GRCh38, 1-based): chr21:31,685,423, G>T on the plus strand (C>A on the coding strand, the complement: SCAF4 is on the minus strand). VCF-style: chr21-31685423-G-T. GRCh37 (hg19) VCF-style: chr21-33057736-G-T.
Other names: c.2226C>A, p.His742Gln (NM_001145444.1); c.2271C>A, p.His757Gln (NM_001145445.1); short protein forms H742Q, H757Q.
Identifiers: ClinVar variation 2663246 (VCV002663246.1), dbSNP rs2516723779, ClinGen allele CA410044737.